The following is an entry in ClinVar:

NM_018230.3(NUP133):c.2297C>T (p.Thr766Met)

Gene: NUP133 (nucleoporin 133; minus strand). Cytogenetic location: 1q42.13.
Variant type: single nucleotide variant.
Coding change: c.2297C>T on transcript NM_018230.3 (MANE Select); coding-DNA position 2297, C replaced by T.
Protein change: p.Thr766Met; replaces threonine 766 with methionine.
Molecular consequence: missense variant.
Genome position (GRCh38, 1-based): chr1:229,465,422, G>A on the plus strand (C>T on the coding strand, the complement: NUP133 is on the minus strand). VCF-style: chr1-229465422-G-A. GRCh37 (hg19) VCF-style: chr1-229601169-G-A.
Other names: short protein forms T766M.
Identifiers: ClinVar variation 1905313 (VCV001905313.6), dbSNP rs537234819, ClinGen allele CA1443326.

ClinVar aggregate classification (germline): Uncertain significance (1 of 4 stars; one submission).

Allele frequency attached by ClinVar (database versions not stated): gnomAD 0.00002; TOPMed 0.00002; ExAC 0.00003.
gnomAD v4.1: 38 of 1,594,346 alleles (0.0024%); highest among the groups gnomAD compares: South Asian, 0.0044%; no homozygotes.

Submissions (2):

Labcorp Genetics (formerly Invitae), Labcorp
Classification: Uncertain significance. Last evaluated: 2023-11-27. Review status: criteria provided, single submitter. Criteria: Invitae Variant Classification Sherloc (09022015). Collection method: clinical testing. Allele origin: germline.
Comment: This sequence change replaces threonine, which is neutral and polar, with methionine, which is neutral and non-polar, at codon 766 of the NUP133 protein (p.Thr766Met). This variant is present in population databases (rs537234819, gnomAD 0.005%). This variant has not been reported in the literature in individuals affected with NUP133-related conditions. ClinVar contains an entry for this variant (Variation ID: 1905313). An algorithm developed to predict the effect of missense changes on protein structure and function (PolyPhen-2) suggests that this variant is likely to be disruptive. In summary, the available evidence is currently insufficient to determine the role of this variant in disease. Therefore, it has been classified as a Variant of Uncertain Significance.

Dr. Peter K. Rogan Lab, Western University
No classification provided (evidence only). Condition: Colorectal cancer. Review status: no classification provided. Collection method: in vitro. Allele origin: not applicable. Functional consequence: retained intron. Not counted in ClinVar's aggregate classification.